The following is an entry in ClinVar:

ClinVar aggregate classification (germline): Likely benign (1 of 4 stars; one submission).

Allele frequency attached by ClinVar (database versions not stated): 1000 Genomes Project 0.01098; 1000 Genomes Project 30x 0.01249; gnomAD 0.01325 and 0.01409; TOPMed 0.01521.

Submission:

GeneDx
Classification: Likely benign. Last evaluated: 2018-06-16. Review status: criteria provided, single submitter. Criteria: GeneDx Variant Classification (06012015). Collection method: clinical testing. Allele origin: germline. Affected: yes.
Comment: This variant is considered likely benign or benign based on one or more of the following criteria: it is a conservative change, it occurs at a poorly conserved position in the protein, it is predicted to be benign by multiple in silico algorithms, and/or has population frequency not consistent with disease.

NM_024753.5(TTC21B):c.553-66C>G

Genes: TTC21B (tetratricopeptide repeat domain 21B; minus strand), TTC21B-AS1 (TTC21B antisense RNA 1; plus strand). Cytogenetic location: 2q24.3.
Variant type: single nucleotide variant.
Coding change: c.553-66C>G on transcript NM_024753.5 (MANE Select); 66 bases into the intron before coding-DNA position 553, C replaced by G.
Molecular consequence: intron variant.
Genome position (GRCh38, 1-based): chr2:165,941,250, G>C on the plus strand (C>G on the coding strand, the complement: TTC21B is on the minus strand). VCF-style: chr2-165941250-G-C. GRCh37 (hg19) VCF-style: chr2-166797760-G-C.
Identifiers: ClinVar variation 676008 (VCV000676008.1), dbSNP rs60855239, ClinGen allele CA59764611.